The following is an entry in ClinVar:

NM_015073.3(SIPA1L3):c.947G>A (p.Arg316His)

Gene: SIPA1L3 (signal induced proliferation associated 1 like 3; plus strand). Cytogenetic location: 19q13.13.
Variant type: single nucleotide variant.
Coding change: c.947G>A on transcript NM_015073.3 (MANE Select); coding-DNA position 947, G replaced by A.
Protein change: p.Arg316His; replaces arginine 316 with histidine.
Molecular consequence: missense variant.
Genome position (GRCh38, 1-based): chr19:38,082,512, G>A. VCF-style: chr19-38082512-G-A. GRCh37 (hg19) VCF-style: chr19-38573152-G-A.
Other names: short protein forms R316H.
Identifiers: ClinVar variation 1032651 (VCV001032651.1), dbSNP rs767672961, ClinGen allele CA9409242.
Genomic context (GRCh38, chr19:38,082,512, plus strand): 5'-CGGTGGACTCGTCCATCTTTCGGAAGCTAAGGAGCAGCAAACCCGAGGGGGAGGCTGGGC[G>A]TTCCCCGGGGGAGGCCGACGAGGGCCGGAGCCCCCCGGAAGCCAGCAGGCCGTGGGTGTG-3'
Protein context (NP_055888.1, residues 306-326): RSSKPEGEAG[Arg316His]SPGEADEGRS

ClinVar aggregate classification (germline): Uncertain significance (1 of 4 stars; one submission).

Conditions:
Cataract 45 (CTRCT45). Identifiers: Orphanet 91492, MedGen C4225182, MONDO:0014799, OMIM 616851.

Allele frequency attached by ClinVar (database versions not stated): gnomAD exomes below 0.00001; ExAC 0.00001.
gnomAD v4.1: 2 of 1,595,992 alleles (0.00013%); highest among the groups gnomAD compares: Admixed American, 0.0017%; no homozygotes.

Submission:

Baylor Genetics
Classification: Uncertain significance for Cataract 45. Last evaluated: 2018-05-08. Review status: criteria provided, single submitter. Criteria: ACMG Guidelines, 2015. Collection method: clinical testing. Allele origin: unknown. Affected: yes.
Comment: This variant was determined to be of uncertain significance according to ACMG Guidelines, 2015 [PMID:25741868].